The following is an entry in ClinVar:

NM_001854.4(COL11A1):c.2004G>A (p.Met668Ile)

Gene: COL11A1 (collagen type XI alpha 1 chain; minus strand). Cytogenetic location: 1p21.1.
Variant type: single nucleotide variant.
Coding change: c.2004G>A on transcript NM_001854.4 (MANE Select); coding-DNA position 2004, G replaced by A.
Protein change: p.Met668Ile; replaces methionine 668 with isoleucine.
Molecular consequence: missense variant. On other transcripts: non-coding transcript variant (1).
Genome position (GRCh38, 1-based): chr1:103,002,786, C>T on the plus strand (G>A on the coding strand, the complement: COL11A1 is on the minus strand). VCF-style: chr1-103002786-C-T. GRCh37 (hg19) VCF-style: chr1-103468342-C-T.
Other names: c.1656G>A, p.Met552Ile (NM_001168249.1, NM_080630.4); c.1887G>A, p.Met629Ile (NM_001190709.2); c.2040G>A, p.Met680Ile (NM_080629.3); short protein forms M629I, M668I, M552I, M680I.
Identifiers: ClinVar variation 1930723 (VCV001930723.5), dbSNP rs2525363403, ClinGen allele CA341171507.

ClinVar aggregate classification (germline): Uncertain significance (1 of 4 stars; one submission).

Submission:

Labcorp Genetics (formerly Invitae), Labcorp
Classification: Uncertain significance. Last evaluated: 2024-12-05. Review status: criteria provided, single submitter. Criteria: Invitae Variant Classification Sherloc (09022015). Collection method: clinical testing. Allele origin: germline.
Comment: This sequence change replaces methionine, which is neutral and non-polar, with isoleucine, which is neutral and non-polar, at codon 668 of the COL11A1 protein (p.Met668Ile). This variant is not present in population databases (gnomAD no frequency). This variant has not been reported in the literature in individuals affected with COL11A1-related conditions. ClinVar contains an entry for this variant (Variation ID: 1930723). Invitae Evidence Modeling of protein sequence and biophysical properties (such as structural, functional, and spatial information, amino acid conservation, physicochemical variation, residue mobility, and thermodynamic stability) indicates that this missense variant is not expected to disrupt COL11A1 protein function with a negative predictive value of 80%. In summary, the available evidence is currently insufficient to determine the role of this variant in disease. Therefore, it has been classified as a Variant of Uncertain Significance.